The following is an entry in ClinVar:

NM_001244008.2(KIF1A):c.5251G>A (p.Gly1751Ser)

Gene: KIF1A (kinesin family member 1A; minus strand). Cytogenetic location: 2q37.3.
Variant type: single nucleotide variant.
Coding change: c.5251G>A on transcript NM_001244008.2 (MANE Select); coding-DNA position 5251, G replaced by A.
Protein change: p.Gly1751Ser; replaces glycine 1751 with serine.
Molecular consequence: missense variant.
Genome position (GRCh38, 1-based): chr2:240,718,132, C>T on the plus strand (G>A on the coding strand, the complement: KIF1A is on the minus strand). VCF-style: chr2-240718132-C-T. GRCh37 (hg19) VCF-style: chr2-241657549-C-T.
Other names: c.4975G>A, p.Gly1659Ser (NM_001320705.2, NM_001379649.1); c.5002G>A, p.Gly1668Ser (NM_001330289.2); c.5050G>A, p.Gly1684Ser (NM_001330290.2, NM_001379648.1); c.5326G>A, p.Gly1776Ser (NM_001379631.1); c.5227G>A, p.Gly1743Ser (NM_001379632.1); c.5224G>A, p.Gly1742Ser (NM_001379633.1, NM_001379645.1); c.5077G>A, p.Gly1693Ser (NM_001379634.1); c.5074G>A, p.Gly1692Ser (NM_001379635.1, NM_001379646.1); and 8 more; short protein forms G1659S, G1692S, G1751S, G1649S, G1650S, G1658S, G1667S, G1668S.
Identifiers: ClinVar variation 953599 (VCV000953599.10), dbSNP rs2044781488, ClinGen allele CA351297535.

ClinVar aggregate classification (germline): Uncertain significance (1 of 4 stars; one submission).

Conditions:
Neuropathy, hereditary sensory, type 2C. Also called: Hereditary sensory and autonomic neuropathy type IIC; KIF1A-Related HSAN2 (HSAN2C). Identifiers: Orphanet 970, MedGen C3280168, MONDO:0013634, OMIM 614213.
Intellectual disability, autosomal dominant 9 (NESCAVS). Also called: KIF1A-Related Neurodevelopmental Disorder; NESCAV SYNDROME. Identifiers: Orphanet 662367, MedGen C5393830, MONDO:0013656, OMIM 614255.
Hereditary spastic paraplegia 30. Identifiers: Orphanet 101010, MedGen C5235139, MONDO:0012476.

Allele frequency attached by ClinVar (database versions not stated): gnomAD exomes below 0.00001.
gnomAD v4.1: 3 of 1,609,726 alleles (0.00019%); highest among the groups gnomAD compares: Non-Finnish European, 0.00025%; no homozygotes.

Submission:

Labcorp Genetics (formerly Invitae), Labcorp
Classification: Uncertain significance for Hereditary spastic paraplegia 30; Neuropathy, hereditary sensory, type 2C; Intellectual disability, autosomal dominant 9. Last evaluated: 2022-07-16. Review status: criteria provided, single submitter. Criteria: Invitae Variant Classification Sherloc (09022015). Collection method: clinical testing. Allele origin: germline.
Comment: This sequence change replaces glycine, which is neutral and non-polar, with serine, which is neutral and polar, at codon 1650 of the KIF1A protein (p.Gly1650Ser). This variant is not present in population databases (gnomAD no frequency). This variant has not been reported in the literature in individuals affected with KIF1A-related conditions. ClinVar contains an entry for this variant (Variation ID: 953599). Advanced modeling of protein sequence and biophysical properties (such as structural, functional, and spatial information, amino acid conservation, physicochemical variation, residue mobility, and thermodynamic stability) performed at Invitae indicates that this missense variant is not expected to disrupt KIF1A protein function. In summary, the available evidence is currently insufficient to determine the role of this variant in disease. Therefore, it has been classified as a Variant of Uncertain Significance.